The following is an entry in ClinVar:

ClinVar aggregate classification (germline): Likely benign. Review status: criteria provided, multiple submitters, no conflicts (2 of 4 stars). 2 submissions from 2 submitters: Likely benign (2). Last evaluated 2018-01-12.

Conditions:
Tryptophan 5-monooxygenase deficiency. Identifiers: MedGen CN120491.

Allele frequency attached by ClinVar (database versions not stated): gnomAD 0.00119 and 0.00179; TOPMed 0.00214; 1000 Genomes Project 30x 0.00640; 1000 Genomes Project 0.00719.
gnomAD v4.1: 2,106 of 877,438 alleles (0.24%); highest among the groups gnomAD compares: East Asian, 3.4%; 28 homozygotes.

Submissions (2):

Illumina Laboratory Services, Illumina
Classification: Likely benign for Tryptophan 5-monooxygenase deficiency. Last evaluated: 2018-01-12. Review status: criteria provided, single submitter. Criteria: ICSL Variant Classification Criteria 13 December 2019. Collection method: clinical testing. Allele origin: germline.
Comment: This variant was observed in the ICSL laboratory as part of a predisposition screen in an ostensibly healthy population. It had not been previously curated by ICSL or reported in the Human Gene Mutation Database (HGMD: prior to June 1st, 2018), and was therefore a candidate for classification through an automated scoring system. Utilizing variant allele frequency, disease prevalence and penetrance estimates, and inheritance mode, an automated score was calculated to assess if this variant is too frequent to cause the disease. Based on the score and internal cut-off values, a variant classified as likely benign is not then subjected to further curation. The score for this variant resulted in a classification of likely benign for this disease.

Breakthrough Genomics
Classification: Likely benign. Review status: criteria provided, single submitter. Criteria: ACMG Guidelines, 2015. Collection method: not provided. Allele origin: germline. Inheritance: Unknown mechanism. Affected: yes.

NM_173353.4(TPH2):c.*149G>A

Gene: TPH2 (tryptophan hydroxylase 2; plus strand). Cytogenetic location: 12q21.1.
Variant type: single nucleotide variant.
Coding change: c.*149G>A on transcript NM_173353.4 (MANE Select); 149 bases downstream of the stop codon, G replaced by A.
Molecular consequence: 3 prime UTR variant.
Genome position (GRCh38, 1-based): chr12:72,031,844, G>A. VCF-style: chr12-72031844-G-A. GRCh37 (hg19) VCF-style: chr12-72425624-G-A.
Identifiers: ClinVar variation 310392 (VCV000310392.6), dbSNP rs41317118, ClinGen allele CA10643315.